The following is an entry in ClinVar:

NM_015450.3(POT1):c.585A>G (p.Arg195=)

Gene: POT1 (protection of telomeres 1; minus strand). Cytogenetic location: 7q31.33.
Variant type: single nucleotide variant.
Coding change: c.585A>G on transcript NM_015450.3 (MANE Select); coding-DNA position 585, A replaced by G.
Protein change: p.Arg195=; no amino-acid change (arginine 195 retained).
Molecular consequence: synonymous variant. On other transcripts: non-coding transcript variant (3).
Genome position (GRCh38, 1-based): chr7:124,859,074, T>C on the plus strand (A>G on the coding strand, the complement: POT1 is on the minus strand). VCF-style: chr7-124859074-T-C. GRCh37 (hg19) VCF-style: chr7-124499128-T-C.
Other names: c.192A>G, p.Arg64= (NM_001042594.2).
Identifiers: ClinVar variation 2108425 (VCV002108425.4), dbSNP rs2116526317, ClinGen allele CA457468899.

ClinVar aggregate classification (germline): Uncertain significance (1 of 4 stars; one submission).

Conditions:
Tumor predisposition syndrome 3 (TPDS3). Also called: Melanoma, cutaneous malignant, susceptibility to, 10; Glioma susceptibility 9; LONG TELOMERE SYNDROME, POT1-RELATED; POT1 Tumor Predisposition. Identifiers: Orphanet 618, MedGen C4014476, MONDO:0014368, OMIM 615848.

Submission:

Labcorp Genetics (formerly Invitae), Labcorp
Classification: Uncertain significance for Tumor predisposition syndrome 3. Last evaluated: 2022-03-10. Review status: criteria provided, single submitter. Criteria: Invitae Variant Classification Sherloc (09022015). Collection method: clinical testing. Allele origin: germline.
Comment: In summary, the available evidence is currently insufficient to determine the role of this variant in disease. Therefore, it has been classified as a Variant of Uncertain Significance. Algorithms developed to predict the effect of sequence changes on RNA splicing suggest that this variant may disrupt the consensus splice site. This variant has not been reported in the literature in individuals affected with POT1-related conditions. This variant is not present in population databases (gnomAD no frequency). This sequence change affects codon 195 of the POT1 mRNA. It is a 'silent' change, meaning that it does not change the encoded amino acid sequence of the POT1 protein.